The following is an entry in ClinVar:

NM_004304.5(ALK):c.196G>A (p.Val66Ile)

Gene: ALK (ALK receptor tyrosine kinase; minus strand). Cytogenetic location: 2p23.1.
Variant type: single nucleotide variant.
Coding change: c.196G>A on transcript NM_004304.5 (MANE Select); coding-DNA position 196, G replaced by A.
Protein change: p.Val66Ile; replaces valine 66 with isoleucine.
Molecular consequence: missense variant.
Genome position (GRCh38, 1-based): chr2:29,920,464, C>T on the plus strand (G>A on the coding strand, the complement: ALK is on the minus strand). VCF-style: chr2-29920464-C-T. GRCh37 (hg19) VCF-style: chr2-30143330-C-T.
Other names: short protein forms V66I.
Identifiers: ClinVar variation 4272100 (VCV004272100.1).

ClinVar aggregate classification (germline): Uncertain significance (1 of 4 stars; one submission).

Conditions:
Hereditary cancer-predisposing syndrome. Also called: Hereditary Cancer Syndrome; Hereditary neoplastic syndrome; Neoplastic Syndromes, Hereditary; Tumor predisposition. Identifiers: Orphanet 140162, MedGen C0027672, MeSH D009386, MONDO:0015356.

Submission:

Ambry Genetics
Classification: Uncertain significance for Hereditary cancer-predisposing syndrome. Last evaluated: 2025-06-16. Review status: criteria provided, single submitter. Criteria: Ambry Variant Classification Scheme 2023. Collection method: clinical testing. Allele origin: germline.
Comment: The p.V66I variant (also known as c.196G>A), located in coding exon 1 of the ALK gene, results from a G to A substitution at nucleotide position 196. The valine at codon 66 is replaced by isoleucine, an amino acid with highly similar properties. This amino acid position is not well conserved in available vertebrate species. In addition, this alteration is predicted to be tolerated by in silico analysis. Based on the available evidence, the clinical significance of this variant remains unclear.